The following is an entry in ClinVar:

NM_201384.3(PLEC):c.6408G>A (p.Glu2136=)

Gene: PLEC (plectin; minus strand). Cytogenetic location: 8q24.3.
Variant type: single nucleotide variant.
Coding change: c.6408G>A on transcript NM_201384.3 (MANE Select); coding-DNA position 6408, G replaced by A.
Protein change: p.Glu2136=; no amino-acid change (glutamic acid 2136 retained).
Molecular consequence: synonymous variant.
Genome position (GRCh38, 1-based): chr8:143,923,521, C>T on the plus strand (G>A on the coding strand, the complement: PLEC is on the minus strand). VCF-style: chr8-143923521-C-T. GRCh37 (hg19) VCF-style: chr8-144997689-C-T.
Other names: c.6489G>A, p.Glu2163= (NM_000445.5); c.6366G>A, p.Glu2122= (NM_201378.4); c.6342G>A, p.Glu2114= (NM_201379.3); c.6819G>A, p.Glu2273= (NM_201380.4); c.6312G>A, p.Glu2104= (NM_201381.3); c.6408G>A, p.Glu2136= (NM_201382.4); c.6420G>A, p.Glu2140= (NM_201383.3).
Identifiers: ClinVar variation 586337 (VCV000586337.22), dbSNP rs200444977, ClinGen allele CA4926007.

ClinVar aggregate classification (germline): Benign/Likely benign. Review status: criteria provided, multiple submitters, no conflicts (2 of 4 stars). 5 submissions from 5 submitters: Benign (2); Likely benign (3). Last evaluated 2026-01-29.

Conditions:
Epidermolysis bullosa simplex 5B, with muscular dystrophy (EBS5B). Also called: EPIDERMOLYSIS BULLOSA SIMPLEX AND LIMB-GIRDLE MUSCULAR DYSTROPHY; Epidermolysis bullosa simplex with muscular dystrophy. Identifiers: Orphanet 257, MedGen C2931072, MONDO:0009181, OMIM 226670.
Epidermolysis bullosa simplex, Ogna type (EBS5A). Also called: Pidermolysis bullosa simplex 5A, Ogna type; EPIDERMOLYSIS BULLOSA SIMPLEX 5A, OGNA TYPE. Identifiers: Orphanet 79401, MedGen C0432317, MONDO:0007555, OMIM 131950.
Autosomal recessive limb-girdle muscular dystrophy type 2Q (LGMDR17). Also called: MUSCULAR DYSTROPHY, LIMB-GIRDLE, AUTOSOMAL RECESSIVE 17. Identifiers: Orphanet 254361, MedGen C3150989, MONDO:0013390, OMIM 613723.
Epidermolysis bullosa simplex with nail dystrophy (EBS5D). Identifiers: MedGen C4225309, MONDO:0014661, OMIM 616487.
Epidermolysis bullosa simplex 5C, with pyloric atresia (EBS5C). Also called: PLEC-Related Epidermolysis Bullosa with Pyloric Atresia; Epidermolysis bullosa simplex with pyloric atresia; PLEC1-Related Epidermolysis Bullosa with Pyloric Atresia. Identifiers: Orphanet 158684, MedGen C2677349, MONDO:0012807, OMIM 612138.

Allele frequency attached by ClinVar (database versions not stated): gnomAD exomes 0.00012 and 0.00032; ExAC 0.00039; ESP Exome Variant Server 0.00058; gnomAD 0.00139 and 0.00144; TOPMed 0.00161; 1000 Genomes Project 30x 0.00250; 1000 Genomes Project 0.00300.
gnomAD v4.1: 393 of 1,595,770 alleles (0.025%); highest among the groups gnomAD compares: African/African-American, 0.47%; 2 homozygotes.

Submissions (5):

Labcorp Genetics (formerly Invitae), Labcorp
Classification: Benign for Autosomal recessive limb-girdle muscular dystrophy type 2Q; Epidermolysis bullosa simplex, Ogna type; Epidermolysis bullosa simplex with nail dystrophy; Epidermolysis bullosa simplex 5C, with pyloric atresia; Epidermolysis bullosa simplex 5B, with muscular dystrophy. Last evaluated: 2026-01-29. Review status: criteria provided, single submitter. Criteria: Invitae Variant Classification Sherloc (09022015). Collection method: clinical testing. Allele origin: germline.

Athena Diagnostics
Classification: Benign. Last evaluated: 2025-07-17. Review status: criteria provided, single submitter. Criteria: Athena Diagnostics Criteria. Collection method: clinical testing. Allele origin: unknown.
Comment: The frequency of this variant in the general population is higher than would generally be expected for pathogenic variants in this gene. Computational tools yielded predictions that this variant is unlikely to have an effect on normal RNA splicing.

Blueprint Genetics
Classification: Likely benign. Last evaluated: 2024-08-06. Review status: criteria provided, single submitter. Criteria: ACMG Guidelines, 2015. Collection method: clinical testing. Allele origin: germline.

Eurofins Ntd Llc (ga)
Classification: Likely benign. Last evaluated: 2018-02-27. Review status: criteria provided, single submitter. Criteria: EGL ClinVar v180209 classification definitions. Collection method: clinical testing. Allele origin: germline. Observed: 9 variant alleles, 9 heterozygotes.

Breakthrough Genomics
Classification: Likely benign. Review status: criteria provided, single submitter. Criteria: ACMG Guidelines, 2015. Collection method: not provided. Allele origin: germline. Inheritance: Autosomal recessive inheritance. Affected: yes.